The following is an entry in ClinVar:

ClinVar aggregate classification (germline): Uncertain significance (1 of 4 stars; one submission).

Allele frequency attached by ClinVar (database versions not stated): gnomAD exomes below 0.00001; TOPMed 0.00001.
gnomAD v4.1: 5 of 1,611,478 alleles (0.00031%); highest among the groups gnomAD compares: South Asian, 0.0011%; no homozygotes.

Submission:

Laboratorio de Genetica e Diagnostico Molecular, Hospital Israelita Albert Einstein
Classification: Uncertain significance. Last evaluated: 2020-03-05. Review status: criteria provided, single submitter. Criteria: ACMG Guidelines, 2015. Collection method: clinical testing. Allele origin: germline. Affected: yes.
Comment: ACMG classification criteria: PM2, PP3

NM_001190274.2(FBXO11):c.1248A>G (p.Thr416=)

Gene: FBXO11 (F-box protein 11; minus strand). Cytogenetic location: 2p16.3.
Variant type: single nucleotide variant.
Coding change: c.1248A>G on transcript NM_001190274.2 (MANE Select); coding-DNA position 1248, A replaced by G.
Protein change: p.Thr416=; no amino-acid change (threonine 416 retained).
Molecular consequence: synonymous variant.
Genome position (GRCh38, 1-based): chr2:47,832,584, T>C on the plus strand (A>G on the coding strand, the complement: FBXO11 is on the minus strand). VCF-style: chr2-47832584-T-C. GRCh37 (hg19) VCF-style: chr2-48059723-T-C.
Other names: c.996A>G, p.Thr332= (NM_001374325.1, NM_025133.4).
Identifiers: ClinVar variation 1690827 (VCV001690827.2), dbSNP rs1308198485, ClinGen allele CA426122404.
Genomic context (GRCh38, chr2:47,832,584, plus strand): 5'-TTTAAACATTTTCTAAAAAGAAAAAAACCACACAAAATTAAAAAATACCTGTGCATGATC[T>C]GTTATATATAGTCCAACATTTTCACAGTCACTGATGTTACAGTGCTTGATGGTGGGACAT-3'
Protein context (NP_001177203.1, residues 406-426): SDCENVGLYI[Thr416=]DHAQGIYEDN